The following is an entry in ClinVar:

NM_172107.4(KCNQ2):c.1991C>T (p.Pro664Leu)

Gene: KCNQ2 (potassium voltage-gated channel subfamily Q member 2; minus strand). Cytogenetic location: 20q13.33.
Variant type: single nucleotide variant.
Coding change: c.1991C>T on transcript NM_172107.4 (MANE Select); coding-DNA position 1991, C replaced by T.
Protein change: p.Pro664Leu; replaces proline 664 with leucine.
Molecular consequence: missense variant.
Genome position (GRCh38, 1-based): chr20:63,407,272, G>A on the plus strand (C>T on the coding strand, the complement: KCNQ2 is on the minus strand). VCF-style: chr20-63407272-G-A. GRCh37 (hg19) VCF-style: chr20-62038625-G-A.
Other names: c.2045C>T, p.Pro682Leu (NM_001382235.1); c.1907C>T, p.Pro636Leu (NM_004518.6); c.1937C>T, p.Pro646Leu (NM_172106.3); c.1898C>T, p.Pro633Leu (NM_172108.5); short protein forms P636L, P664L, P633L, P646L, P682L.
Identifiers: ClinVar variation 936289 (VCV000936289.11), dbSNP rs765493484, ClinGen allele CA9958179.

ClinVar aggregate classification (germline): Conflicting classifications of pathogenicity. Review status: criteria provided, conflicting classifications (1 of 4 stars). 2 submissions from 2 submitters: Uncertain significance (1); Likely benign (1). Last evaluated 2025-08-27.

Conditions:
Inborn genetic diseases. Identifiers: MedGen C0950123, MeSH D030342.
Early-infantile DEE. Also called: Early infantile epileptic encephalopathy; Ohtahara syndrome; Early infantile epileptic encephalopathy with suppression bursts. Identifiers: Orphanet 1934, MedGen C0393706, MONDO:0800491.

Allele frequency attached by ClinVar (database versions not stated): gnomAD 0.00001 and 0.00002; gnomAD exomes 0.00002 and 0.00003; ExAC 0.00003; TOPMed 0.00003.
gnomAD v4.1: 32 of 1,596,084 alleles (0.002%); highest among the groups gnomAD compares: Admixed American, 0.0033%; no homozygotes.

Submissions (2):

Ambry Genetics
Classification: Likely benign for Inborn genetic diseases. Last evaluated: 2025-08-27. Review status: criteria provided, single submitter. Criteria: Ambry Variant Classification Scheme 2023. Collection method: clinical testing. Allele origin: germline.

Labcorp Genetics (formerly Invitae), Labcorp
Classification: Uncertain significance for Early-infantile DEE. Last evaluated: 2025-04-20. Review status: criteria provided, single submitter. Criteria: Invitae Variant Classification Sherloc (09022015). Collection method: clinical testing. Allele origin: germline.
Comment: This sequence change replaces proline, which is neutral and non-polar, with leucine, which is neutral and non-polar, at codon 664 of the KCNQ2 protein (p.Pro664Leu). This variant is present in population databases (rs765493484, gnomAD 0.007%). This variant has not been reported in the literature in individuals affected with KCNQ2-related conditions. ClinVar contains an entry for this variant (Variation ID: 936289). Invitae Evidence Modeling of protein sequence and biophysical properties (such as structural, functional, and spatial information, amino acid conservation, physicochemical variation, residue mobility, and thermodynamic stability) indicates that this missense variant is expected to disrupt KCNQ2 protein function with a positive predictive value of 95%. In summary, the available evidence is currently insufficient to determine the role of this variant in disease. Therefore, it has been classified as a Variant of Uncertain Significance.